The following is an entry in ClinVar:

ClinVar aggregate classification (germline): Uncertain significance. Review status: criteria provided, multiple submitters, no conflicts (2 of 4 stars). 2 submissions from 2 submitters: Uncertain significance (2). Last evaluated 2025-11-20.

Conditions:
WDFY3-related disorder.
Inborn genetic diseases. Identifiers: MedGen C0950123, MeSH D030342.

gnomAD v4.1: 9 of 1,609,914 alleles (0.00056%); highest among the groups gnomAD compares: Non-Finnish European, 0.00076%; no homozygotes.

Submissions (2):

Ambry Genetics
Classification: Uncertain significance for Inborn genetic diseases. Last evaluated: 2025-11-20. Review status: criteria provided, single submitter. Criteria: Ambry Variant Classification Scheme 2023. Collection method: clinical testing. Allele origin: germline.

PreventionGenetics, part of Exact Sciences
Classification: Uncertain significance for WDFY3-related condition. Last evaluated: 2025-07-02. Review status: criteria provided, single submitter. Criteria: ACMG Guidelines, 2015. Collection method: clinical testing. Allele origin: germline.
Comment: The WDFY3 c.4471A>G variant is predicted to result in the amino acid substitution p.Ile1491Val. To our knowledge, this variant has not been reported in the literature. This variant is reported in 0.00088% of alleles in individuals of European (Non-Finnish) descent in gnomAD. At this time, the clinical significance of this variant is uncertain due to the absence of conclusive functional and genetic evidence.

NM_014991.6(WDFY3):c.4471A>G (p.Ile1491Val)

Gene: WDFY3 (WD repeat and FYVE domain containing 3; minus strand). Cytogenetic location: 4q21.23.
Variant type: single nucleotide variant.
Coding change: c.4471A>G on transcript NM_014991.6 (MANE Select); coding-DNA position 4471, A replaced by G.
Protein change: p.Ile1491Val; replaces isoleucine 1491 with valine.
Molecular consequence: missense variant.
Genome position (GRCh38, 1-based): chr4:84,778,550, T>C on the plus strand (A>G on the coding strand, the complement: WDFY3 is on the minus strand). VCF-style: chr4-84778550-T-C. GRCh37 (hg19) VCF-style: chr4-85699703-T-C.
Other names: short protein forms I1491V.
Identifiers: ClinVar variation 4634636 (VCV004634636.2).
Genomic context (GRCh38, chr4:84,778,550, plus strand): 5'-CTTATATACATACTTCAAAATCACAGAGGAGGTCCTGGAAAGCAGTTGAATTTGGAATAA[T>C]GGAGGTCTCATGTCCACTATCAACAGTTCCCACCAAAGAAAAAGTTAGATGGAGGATGTG-3'
Protein context (NP_055806.2, residues 1481-1501): GTVDSGHETS[Ile1491Val]IPNSTAFQDL